The following is an entry in ClinVar:

ClinVar aggregate classification (germline): Uncertain significance (1 of 4 stars; one submission).

Conditions:
Alzheimer disease 3 (AD3). Also called: ALZHEIMER DISEASE, FAMILIAL, 3. Identifiers: Orphanet 1020, MedGen C1843013, MONDO:0011913, OMIM 607822.
Acne inversa, familial, 3 (ACNINV3). Identifiers: MedGen C3151038, MONDO:0013398, OMIM 613737.
Pick disease. Also called: DEMENTIA WITH LOBAR ATROPHY AND NEURONAL CYTOPLASMIC INCLUSIONS; LOBAR ATROPHY OF BRAIN; PICK DISEASE OF BRAIN; Pick Disease of the Brain; Pick's disease. Identifiers: Orphanet 282, MedGen C0236642, MONDO:0008243, OMIM 172700.
Frontotemporal dementia (FTD1). Also called: WILHELMSEN-LYNCH DISEASE; FRONTOTEMPORAL DEMENTIA WITH PARKINSONISM; FRONTOTEMPORAL LOBE DEMENTIA; FRONTOTEMPORAL LOBAR DEGENERATION WITH TAU INCLUSIONS; FTLD WITH TAU INCLUSIONS; MULTIPLE SYSTEM TAUOPATHY WITH PRESENILE DEMENTIA. Identifiers: Orphanet 282, MedGen C0338451, MONDO:0017276, OMIM 600274, HP:0002145.

Submission:

Labcorp Genetics (formerly Invitae), Labcorp
Classification: Uncertain significance for Alzheimer disease 3; Pick disease; Acne inversa, familial, 3; Frontotemporal dementia. Last evaluated: 2022-07-01. Review status: criteria provided, single submitter. Criteria: Invitae Variant Classification Sherloc (09022015). Collection method: clinical testing. Allele origin: germline.
Comment: Algorithms developed to predict the effect of missense changes on protein structure and function (SIFT, PolyPhen-2, Align-GVGD) all suggest that this variant is likely to be tolerated. In summary, the available evidence is currently insufficient to determine the role of this variant in disease. Therefore, it has been classified as a Variant of Uncertain Significance. Experimental studies have shown that this missense change affects PSEN1 function (PMID: 27930341, 32087291). This missense change has been observed in individuals with early-onset Alzheimer’s disease (PMID: 23638752, 33188256). This variant is not present in population databases (gnomAD no frequency). This sequence change replaces histidine, which is basic and polar, with arginine, which is basic and polar, at codon 131 of the PSEN1 protein (p.His131Arg).

Literature cited by the submitters: PubMed 27930341; PubMed 32087291; PubMed 23638752; PubMed 33188256.

NM_000021.4(PSEN1):c.392A>G (p.His131Arg)

Gene: PSEN1 (presenilin 1; plus strand). Cytogenetic location: 14q24.2.
Variant type: single nucleotide variant.
Coding change: c.392A>G on transcript NM_000021.4 (MANE Select); coding-DNA position 392, A replaced by G.
Protein change: p.His131Arg; replaces histidine 131 with arginine.
Molecular consequence: missense variant.
Genome position (GRCh38, 1-based): chr14:73,173,619, A>G. VCF-style: chr14-73173619-A-G. GRCh37 (hg19) VCF-style: chr14-73640327-A-G.
Other names: c.380A>G, p.His127Arg (NM_007318.3); short protein forms H131R, H127R.
Identifiers: ClinVar variation 2137602 (VCV002137602.4), dbSNP rs1555353072, ClinGen allele CA390304853.
Genomic context (GRCh38, chr14:73,173,619, plus strand): 5'-ATTGTAGAATCTATACCCCATTCACAGAAGATACCGAGACTGTGGGCCAGAGAGCCCTGC[A>G]CTCAATTCTGAATGCTGCCATCATGATCAGTGTCATTGTTGTCATGACTATCCTCCTGGT-3'
Protein context (NP_000012.1, residues 121-141): DTETVGQRAL[His131Arg]SILNAAIMIS